The following is an entry in ClinVar:

NM_000487.6(ARSA):c.1393A>G (p.Lys465Glu)

Gene: ARSA (arylsulfatase A; minus strand). Cytogenetic location: 22q13.33.
Variant type: single nucleotide variant.
Coding change: c.1393A>G on transcript NM_000487.6 (MANE Select); coding-DNA position 1393, A replaced by G.
Protein change: p.Lys465Glu; replaces lysine 465 with glutamic acid.
Molecular consequence: missense variant.
Genome position (GRCh38, 1-based): chr22:50,625,282, T>C on the plus strand (A>G on the coding strand, the complement: ARSA is on the minus strand). VCF-style: chr22-50625282-T-C. GRCh37 (hg19) VCF-style: chr22-51063710-T-C.
Other names: NP_000478.3:p.(Lys465Glu); c.1393A>G, p.Lys465Glu (NM_001085425.3, NM_001085426.3, NM_001085427.3); c.1135A>G, p.Lys379Glu (NM_001085428.3, NM_001362782.2); short protein forms K379E, K465E.
Identifiers: ClinVar variation 4850927 (VCV004850927.2).
Genomic context (GRCh38, chr22:50,625,282, plus strand): 5'-GGTCCTCGCCCCGGGCCACCTGGCTGGGGCCGAAGGTCACAGCTGCGTCTAACTGGGCCT[T>C]GAGCAGCTGAAGCTGTTTCAGGGCTTGCAGCACCTCTGGGGTGGCCCCGGCCACACCCCC-3'
Protein context (NP_000478.3, residues 455-475): LQALKQLQLL[Lys465Glu]AQLDAAVTFG

ClinVar aggregate classification (germline): Uncertain significance (1 of 4 stars; one submission).

Conditions:
Metachromatic leukodystrophy (MLD). Also called: ARSA DEFICIENCY; CEREBROSIDE SULFATASE DEFICIENCY; METACHROMATIC LEUKOENCEPHALOPATHY; Cerebral sclerosis diffuse metachromatic form; Arylsulfatase A Deficiency; SULFATIDE LIPIDOSIS. Identifiers: Orphanet 512, MedGen C0023522, MONDO:0018868, OMIM 250100.

Submission:

Laboratory of Experimental Gene Therapy of Hereditary Metabolic Diseases, Research Centre for Medical Genetics
Classification: Uncertain significance for Metachromatic leukodystrophy. Last evaluated: 2026-09-17. Review status: criteria provided, single submitter. Criteria: ARSA MLD Assertion Criteria V2 2026 09 18. Collection method: clinical testing. Allele origin: germline. Inheritance: Autosomal recessive inheritance. Observed: 2 variant alleles, 2 homozygotes.
Comment: Reassessed under ACMG/AMP 2015 with ClinGen SVI refinements and a Bayesian point framework (supporting=1, moderate=2, strong=4, very strong=8; 6-9 points=likely pathogenic; >=10 points=pathogenic). Final score: 3. Evidence applied: PM2_Supporting, PM3_Moderate. Observations from the present referral series were excluded from classification.

Literature cited by the submitters: PubMed 40206918.